The following is an entry in ClinVar:

NM_021076.4(NEFH):c.2708T>C (p.Val903Ala)

Gene: NEFH (neurofilament heavy chain; plus strand). Cytogenetic location: 22q12.2.
Variant type: single nucleotide variant.
Coding change: c.2708T>C on transcript NM_021076.4 (MANE Select); coding-DNA position 2708, T replaced by C.
Protein change: p.Val903Ala; replaces valine 903 with alanine.
Molecular consequence: missense variant.
Genome position (GRCh38, 1-based): chr22:29,490,348, T>C. VCF-style: chr22-29490348-T-C. GRCh37 (hg19) VCF-style: chr22-29886337-T-C.
Other names: short protein forms V903A.
Identifiers: ClinVar variation 1496278 (VCV001496278.6), dbSNP rs2146401607, ClinGen allele CA411138437.

ClinVar aggregate classification (germline): Uncertain significance (1 of 4 stars; one submission).

Submission:

Labcorp Genetics (formerly Invitae), Labcorp
Classification: Uncertain significance. Last evaluated: 2024-09-24. Review status: criteria provided, single submitter. Criteria: Invitae Variant Classification Sherloc (09022015). Collection method: clinical testing. Allele origin: germline.
Comment: This sequence change replaces valine, which is neutral and non-polar, with alanine, which is neutral and non-polar, at codon 903 of the NEFH protein (p.Val903Ala). This variant is not present in population databases (gnomAD no frequency). This variant has not been reported in the literature in individuals affected with NEFH-related conditions. ClinVar contains an entry for this variant (Variation ID: 1496278). Invitae Evidence Modeling of protein sequence and biophysical properties (such as structural, functional, and spatial information, amino acid conservation, physicochemical variation, residue mobility, and thermodynamic stability) indicates that this missense variant is not expected to disrupt NEFH protein function with a negative predictive value of 95%. In summary, the available evidence is currently insufficient to determine the role of this variant in disease. Therefore, it has been classified as a Variant of Uncertain Significance.